The following is an entry in ClinVar:

ClinVar aggregate classification (germline): Likely pathogenic (1 of 4 stars; one submission).

Conditions:
Early-infantile DEE. Also called: Ohtahara syndrome; Early infantile epileptic encephalopathy with suppression bursts; Early infantile epileptic encephalopathy. Identifiers: Orphanet 1934, MedGen C0393706, MONDO:0800491.

Submission:

Labcorp Genetics (formerly Invitae), Labcorp
Classification: Likely pathogenic for Early-infantile DEE. Last evaluated: 2022-08-09. Review status: criteria provided, single submitter. Criteria: Invitae Variant Classification Sherloc (09022015). Collection method: clinical testing. Allele origin: germline.
Comment: ClinVar contains an entry for this variant (Variation ID: 850126). This missense change has been observed in individual(s) with Dravet syndrome (PMID: 30945278, 34055682). This variant is not present in population databases (gnomAD no frequency). This sequence change replaces methionine, which is neutral and non-polar, with threonine, which is neutral and polar, at codon 1704 of the SCN1A protein (p.Met1704Thr). Advanced modeling of protein sequence and biophysical properties (such as structural, functional, and spatial information, amino acid conservation, physicochemical variation, residue mobility, and thermodynamic stability) performed at Invitae indicates that this missense variant is expected to disrupt SCN1A protein function. In summary, the currently available evidence indicates that the variant is pathogenic, but additional data are needed to prove that conclusively. Therefore, this variant has been classified as Likely Pathogenic.

Literature cited by the submitters: PubMed 30945278; PubMed 34055682.

NM_001165963.4(SCN1A):c.5111T>C (p.Met1704Thr)

Genes: SCN1A (sodium voltage-gated channel alpha subunit 1; minus strand), LOC102724058 (uncharacterized LOC102724058; plus strand). Cytogenetic location: 2q24.3.
Variant type: single nucleotide variant.
Coding change: c.5111T>C on transcript NM_001165963.4 (MANE Select); coding-DNA position 5111, T replaced by C.
Protein change: p.Met1704Thr; replaces methionine 1704 with threonine.
Molecular consequence: missense variant. On other transcripts: non-coding transcript variant (1).
Genome position (GRCh38, 1-based): chr2:165,992,164, A>G on the plus strand (T>C on the coding strand, the complement: SCN1A is on the minus strand). VCF-style: chr2-165992164-A-G. GRCh37 (hg19) VCF-style: chr2-166848674-A-G.
Other names: c.5027T>C, p.Met1676Thr (NM_001165964.3, NM_001353957.2, NM_001353958.2); c.5111T>C, p.Met1704Thr (NM_001202435.3, NM_001353948.2); c.5078T>C, p.Met1693Thr (NM_001353949.2, NM_001353950.2, NM_001353951.2 and 2 more transcripts); c.5075T>C, p.Met1692Thr (NM_001353954.2, NM_001353955.2); c.5024T>C, p.Met1675Thr (NM_001353960.2); c.2669T>C, p.Met890Thr (NM_001353961.2); short protein forms M1676T, M1693T, M1675T, M1704T, M1692T, M890T.
Identifiers: ClinVar variation 850126 (VCV000850126.10), dbSNP rs1689298888, ClinGen allele CA349069153.